The following is an entry in ClinVar:

NM_000257.4(MYH7):c.275T>C (p.Met92Thr)

Gene: MYH7 (myosin heavy chain 7; minus strand). Cytogenetic location: 14q11.2.
Variant type: single nucleotide variant.
Coding change: c.275T>C on transcript NM_000257.4 (MANE Select); coding-DNA position 275, T replaced by C.
Protein change: p.Met92Thr; replaces methionine 92 with threonine.
Molecular consequence: missense variant.
Genome position (GRCh38, 1-based): chr14:23,433,154, A>G on the plus strand (T>C on the coding strand, the complement: MYH7 is on the minus strand). VCF-style: chr14-23433154-A-G. GRCh37 (hg19) VCF-style: chr14-23902363-A-G.
Other names: short protein forms M92T.
Identifiers: ClinVar variation 1171708 (VCV001171708.2), dbSNP rs2138685614, ClinGen allele CA389053264.

ClinVar aggregate classification (germline): Uncertain significance (1 of 4 stars; one submission).

Conditions:
Cardiomyopathy (CMYO). Also called: Cardiomyopathies. Identifiers: Orphanet 167848, MedGen C0878544, MONDO:0004994, HP:0001638. Inheritance: Various modes of inheritance.

Submission:

Color Diagnostics, LLC DBA Color Health
Classification: Uncertain significance for Cardiomyopathy. Last evaluated: 2021-02-12. Review status: criteria provided, single submitter. Criteria: ACMG Guidelines, 2015. Collection method: clinical testing. Allele origin: germline.
Comment: This missense variant replaces methionine with threonine at codon 92 of the MYH7 protein. Computational prediction suggests that this variant may have deleterious impact on protein structure and function (internally defined REVEL score threshold >= 0.7, PMID: 27666373). To our knowledge, functional studies have not been reported for this variant. This variant has not been reported in individuals affected with cardiovascular disorders in the literature. This variant has not been identified in the general population by the Genome Aggregation Database (gnomAD). The available evidence is insufficient to determine the role of this variant in disease conclusively. Therefore, this variant is classified as a Variant of Uncertain Significance.